The following is an entry in ClinVar:

NM_001164508.2(NEB):c.22812del (p.Glu7605fs)

Genes: NEB (nebulin; minus strand), RIF1 (replication timing regulatory factor 1; plus strand). Cytogenetic location: 2q23.3.
Variant type: Deletion.
Coding change: c.22812del on transcript NM_001164508.2 (MANE Select); coding-DNA position 22812, one base deleted (A; older notation c.22812delA).
Protein change: p.Glu7605fs; shifts the reading frame from glutamic acid 7605.
Molecular consequence: frameshift variant.
Genome position (GRCh38, 1-based): chr2:151,516,552, T deleted on the plus strand (A on the coding strand, the reverse complement: NEB is on the minus strand); the first of 3 consecutive T bases (chr2:151,516,552-151,516,554); deleting any one gives the same sequence. VCF-style (leftmost placement, unchanged base first): chr2-151516551-CT-C. GRCh37 (hg19) VCF-style: chr2-152373065-CT-C.
Other names: c.22812del, p.Glu7605fs (NM_001164507.2); c.22917del, p.Glu7640fs (NM_001271208.2); c.17709del, p.Glu5904fs (NM_004543.5); short protein forms E7605fs, E5904fs, E7640fs.
Identifiers: ClinVar variation 1452035 (VCV001452035.6), dbSNP rs2153355216, ClinGen allele CA2573133357.

ClinVar aggregate classification (germline): Pathogenic (1 of 4 stars; one submission).

Conditions:
Nemaline myopathy 2 (NEM2). Also called: Nemaline myopathy 2, autosomal recessive. Identifiers: MedGen C1850569, MONDO:0009725, OMIM 256030.

Submission:

Labcorp Genetics (formerly Invitae), Labcorp
Classification: Pathogenic for Nemaline myopathy 2. Last evaluated: 2021-02-24. Review status: criteria provided, single submitter. Criteria: Invitae Variant Classification Sherloc (09022015). Collection method: clinical testing. Allele origin: germline.
Comment: This sequence change creates a premature translational stop signal (p.Glu7640Lysfs*47) in the NEB gene. It is expected to result in an absent or disrupted protein product. Loss-of-function variants in NEB are known to be pathogenic (PMID: 25205138). This variant is not present in population databases (ExAC no frequency). This variant has not been reported in the literature in individuals with NEB-related conditions. For these reasons, this variant has been classified as Pathogenic.

Literature cited by the submitters: PubMed 25205138.